The following is an entry in ClinVar:

NM_024996.7(GFM1):c.291_292del (p.Gly99fs)

Gene: GFM1 (G elongation factor mitochondrial 1; plus strand). Cytogenetic location: 3q25.32.
Variant type: Deletion.
Coding change: c.291_292del on transcript NM_024996.7 (MANE Select); coding-DNA positions 291 to 292, 2 bases deleted (AA; older notation c.291_292delAA).
Protein change: p.Gly99fs; shifts the reading frame from glycine 99.
Molecular consequence: frameshift variant. On other transcripts: non-coding transcript variant (3), intron variant (4).
Genome position (GRCh38, 1-based): chr3:158,646,221-158,646,222, AA deleted; deleting any 2 consecutive bases within chr3:158,646,220-158,646,222 gives the same sequence; the c. name uses the placement nearest the transcript's 3' end. VCF-style (leftmost placement, unchanged base first): chr3-158646219-CAA-C. GRCh37 (hg19) VCF-style: chr3-158364008-CAA-C.
Other names: c.291_292del, p.Gly99fs (NM_001308164.2, NM_001308166.2, NM_001374355.1 and 1 more transcripts); c.66_67del, p.Gly24fs (NM_001374357.1); c.5+440_5+441del (NM_001374359.1, NM_001374360.1, NM_001374361.1); c.234+440_234+441del (NM_001374358.1); c.291_292delAA (NM_024996.5); short protein forms G99fs, G24fs.
Identifiers: ClinVar variation 652079 (VCV000652079.8), dbSNP rs752400894, ClinGen allele CA2682293.
Genomic context (GRCh38, chr3:158,646,219, plus strand): 5'-GTTTAGGTGAAAGGTAAAGATGGAGTTGGTGCTGTCATGGATTCCATGGAACTAGAGAGA[CAA>C]AGAGGAATCACTATTCAGTCAGCAGCCACTTACACCATGTGGAAAGATGTCAATATTAAC-3'

ClinVar aggregate classification (germline): Pathogenic/Likely pathogenic. Review status: criteria provided, multiple submitters, no conflicts (2 of 4 stars). 2 submissions from 2 submitters: Pathogenic (1); Likely pathogenic (1). Last evaluated 2024-05-08.

Conditions:
Hepatoencephalopathy due to combined oxidative phosphorylation defect type 1. Also called: HEPATOENCEPHALOPATHY, EARLY FATAL PROGRESSIVE. Identifiers: Orphanet 137681, MedGen C1836797, MONDO:0012191, OMIM 609060.

Submissions (2):

Natera, Inc.
Classification: Likely pathogenic for Combined oxidative phosphorylation deficiency 1. Last evaluated: 2024-05-08. Review status: criteria provided, single submitter. Criteria: Natera Variant Classification Schema (03/2026). Collection method: clinical testing. Allele origin: germline.
Comment: The c.291_292delAA variant in GFM1 is a frameshift variant predicted to shift the reading frame beginning at codon 99 and leads to a stop codon 18 codons downstream. This variant is expected to result in nonsense mediated decay, truncation, or a dysfunctional protein product. This variant is rare in the general population with a frequency below the threshold expected for the associated phenotype(s). Given the available evidence, this variant is classified as Likely Pathogenic.

Labcorp Genetics (formerly Invitae), Labcorp
Classification: Pathogenic. Last evaluated: 2023-06-24. Review status: criteria provided, single submitter. Criteria: Invitae Variant Classification Sherloc (09022015). Collection method: clinical testing. Allele origin: germline.
Comment: For these reasons, this variant has been classified as Pathogenic. ClinVar contains an entry for this variant (Variation ID: 652079). This variant has not been reported in the literature in individuals affected with GFM1-related conditions. This variant is present in population databases (rs752400894, gnomAD 0.002%). This sequence change creates a premature translational stop signal (p.Gly99Asnfs*18) in the GFM1 gene. It is expected to result in an absent or disrupted protein product. Loss-of-function variants in GFM1 are known to be pathogenic (PMID: 16632485, 17160893).

Literature cited by the submitters: PubMed 16632485 (cited by Labcorp Genetics (formerly Invitae), Labcorp); PubMed 17160893 (cited by Labcorp Genetics (formerly Invitae), Labcorp).